The following is an entry in ClinVar:

ClinVar aggregate classification (germline): Uncertain significance (1 of 4 stars; one submission).

Conditions:
D-2-hydroxyglutaric aciduria 2 (D2HGA2). Identifiers: Orphanet 79315, MedGen C3150909, MONDO:0013345, OMIM 613657.

Allele frequency attached by ClinVar (database versions not stated): gnomAD exomes below 0.00001; ExAC 0.00001.
gnomAD v4.1: 2 of 1,614,088 alleles (0.00012%); highest among the groups gnomAD compares: African/African-American, 0.0027%; no homozygotes.

Submission:

Labcorp Genetics (formerly Invitae), Labcorp
Classification: Uncertain significance for D-2-hydroxyglutaric aciduria 2. Last evaluated: 2023-11-27. Review status: criteria provided, single submitter. Criteria: Invitae Variant Classification Sherloc (09022015). Collection method: clinical testing. Allele origin: germline.
Comment: This sequence change replaces glutamic acid, which is acidic and polar, with glutamine, which is neutral and polar, at codon 404 of the IDH2 protein (p.Glu404Gln). This variant is present in population databases (rs767090389, gnomAD 0.007%). This variant has not been reported in the literature in individuals affected with IDH2-related conditions. Advanced modeling of protein sequence and biophysical properties (such as structural, functional, and spatial information, amino acid conservation, physicochemical variation, residue mobility, and thermodynamic stability) performed at Invitae indicates that this missense variant is not expected to disrupt IDH2 protein function with a negative predictive value of 80%. In summary, the available evidence is currently insufficient to determine the role of this variant in disease. Therefore, it has been classified as a Variant of Uncertain Significance.

NM_002168.4(IDH2):c.1210G>C (p.Glu404Gln)

Gene: IDH2 (isocitrate dehydrogenase (NADP(+)) 2; minus strand). Cytogenetic location: 15q26.1.
Variant type: single nucleotide variant.
Coding change: c.1210G>C on transcript NM_002168.4 (MANE Select); coding-DNA position 1210, G replaced by C.
Protein change: p.Glu404Gln; replaces glutamic acid 404 with glutamine.
Molecular consequence: missense variant.
Genome position (GRCh38, 1-based): chr15:90,084,877, C>G on the plus strand (G>C on the coding strand, the complement: IDH2 is on the minus strand). VCF-style: chr15-90084877-C-G. GRCh37 (hg19) VCF-style: chr15-90628109-C-G.
Other names: c.1054G>C, p.Glu352Gln (NM_001289910.1); c.820G>C, p.Glu274Gln (NM_001290114.2); short protein forms E274Q, E352Q, E404Q.
Identifiers: ClinVar variation 2888329 (VCV002888329.3), dbSNP rs767090389, ClinGen allele CA7732918.